The following is an entry in ClinVar:

ClinVar aggregate classification (germline): Uncertain significance (1 of 4 stars; one submission).

Conditions:
Inborn genetic diseases. Identifiers: MedGen C0950123, MeSH D030342.

gnomAD v4.1: 8 of 1,614,036 alleles (0.0005%); highest among the groups gnomAD compares: South Asian, 0.0088%; no homozygotes.

Submission:

Ambry Genetics
Classification: Uncertain significance for Inborn genetic diseases. Last evaluated: 2026-03-31. Review status: criteria provided, single submitter. Criteria: Ambry Variant Classification Scheme 2023. Collection method: clinical testing. Allele origin: germline.
Comment: The p.A93S variant (also known as c.277G>T), located in coding exon 2 of the G6PC3 gene, results from a G to T substitution at nucleotide position 277. The alanine at codon 93 is replaced by serine, an amino acid with similar properties. This amino acid position is conserved. In addition, this alteration is predicted to be tolerated by in silico analysis. Based on the available evidence, the clinical significance of this variant remains unclear.

NM_138387.4(G6PC3):c.277G>T (p.Ala93Ser)

Gene: G6PC3 (glucose-6-phosphatase catalytic subunit 3; plus strand). Cytogenetic location: 17q21.31.
Variant type: single nucleotide variant.
Coding change: c.277G>T on transcript NM_138387.4 (MANE Select); coding-DNA position 277, G replaced by T.
Protein change: p.Ala93Ser; replaces alanine 93 with serine.
Molecular consequence: missense variant. On other transcripts: 5 prime UTR variant (4).
Genome position (GRCh38, 1-based): chr17:44,074,218, G>T. VCF-style: chr17-44074218-G-T. GRCh37 (hg19) VCF-style: chr17-42151586-G-T.
Other names: c.277G>T, p.Ala93Ser (NM_001319945.2); c.-69G>T (NM_001384165.1, NM_001384166.1, NM_001384167.1 and 1 more transcripts); short protein forms A93S.
Identifiers: ClinVar variation 4871587 (VCV004871587.1).